The following is an entry in ClinVar:

ClinVar aggregate classification (germline): Uncertain significance (1 of 4 stars; one submission).

Submission:

Ambry Genetics
Classification: Uncertain significance. Last evaluated: 2025-07-22. Review status: criteria provided, single submitter. Criteria: Ambry Variant Classification Scheme 2023. Collection method: clinical testing. Allele origin: germline.
Comment: The p.P2058S variant (also known as c.6172C>T), located in coding exon 25 of the WNK2 gene, results from a C to T substitution at nucleotide position 6172. The proline at codon 2058 is replaced by serine, an amino acid with similar properties. This amino acid position is conserved. In addition, this alteration is predicted to be deleterious by in silico analysis. Based on the available evidence, the clinical significance of this variant remains unclear.

NM_006648.4(WNK2):c.6172C>T (p.Pro2058Ser)

Gene: WNK2 (WNK lysine deficient protein kinase 2; plus strand). Cytogenetic location: 9q22.31.
Variant type: single nucleotide variant.
Coding change: c.6172C>T on transcript NM_006648.4 (MANE Select); coding-DNA position 6172, C replaced by T.
Protein change: p.Pro2058Ser; replaces proline 2058 with serine.
Molecular consequence: missense variant.
Genome position (GRCh38, 1-based): chr9:93,300,107, C>T. VCF-style: chr9-93300107-C-T. GRCh37 (hg19) VCF-style: chr9-96062389-C-T.
Other names: c.6283C>T, p.Pro2095Ser (NM_001282394.3); short protein forms P2095S, P2058S.
Identifiers: ClinVar variation 4201652 (VCV004201652.1).